The following is an entry in ClinVar:

NM_177438.3(DICER1):c.877del (p.Arg293fs)

Gene: DICER1 (dicer 1, ribonuclease III; minus strand). Cytogenetic location: 14q32.13.
Variant type: Deletion.
Coding change: c.877del on transcript NM_177438.3 (MANE Select); coding-DNA position 877, one base deleted (A; older notation c.877delA).
Protein change: p.Arg293fs; shifts the reading frame from arginine 293.
Molecular consequence: frameshift variant.
Genome position (GRCh38, 1-based): chr14:95,126,606, T deleted on the plus strand (A on the coding strand, the reverse complement: DICER1 is on the minus strand); the first of 3 consecutive T bases (chr14:95,126,606-95,126,608); deleting any one gives the same sequence. VCF-style (leftmost placement, unchanged base first): chr14-95126605-CT-C. GRCh37 (hg19) VCF-style: chr14-95592942-CT-C.
Other names: c.877del, p.Arg293fs (NM_001195573.1, NM_001271282.3, NM_001291628.2 and 1 more transcripts); c.877delA (NM_177438.2); short protein forms R293fs.
Identifiers: ClinVar variation 429123 (VCV000429123.5), dbSNP rs1131691198, ClinGen allele CA645369583.

ClinVar aggregate classification (germline): Pathogenic (1 of 4 stars; one submission).

Conditions:
Hereditary cancer-predisposing syndrome. Also called: Hereditary Cancer Syndrome; Neoplastic Syndromes, Hereditary; Hereditary neoplastic syndrome; Tumor predisposition. Identifiers: Orphanet 140162, MedGen C0027672, MeSH D009386, MONDO:0015356.

Submission:

Ambry Genetics
Classification: Pathogenic for Hereditary cancer-predisposing syndrome. Last evaluated: 2017-01-30. Review status: criteria provided, single submitter. Criteria: Ambry Variant Classification Scheme 2023. Collection method: clinical testing. Allele origin: germline.
Comment: The c.877delA pathogenic mutation, located in coding exon 6 of the DICER1 gene, results from a deletion of one nucleotide at nucleotide position 877, causing a translational frameshift with a predicted alternate stop codon (p.R293Efs*5). This alteration is expected to result in loss of function by premature protein truncation or nonsense-mediated mRNA decay. As such, this alteration is interpreted as a disease-causing mutation.